The following is an entry in ClinVar:

ClinVar aggregate classification (germline): Uncertain significance. Review status: criteria provided, multiple submitters, no conflicts (2 of 4 stars). 2 submissions from 2 submitters: Uncertain significance (2). Last evaluated 2025-08-01.

Allele frequency attached by ClinVar (database versions not stated): ExAC 0.00004; gnomAD 0.00007; TOPMed 0.00007.
gnomAD v4.1: 165 of 1,614,040 alleles (0.01%); highest among the groups gnomAD compares: East Asian, 0.025%; no homozygotes.

Submissions (2):

Ambry Genetics
Classification: Uncertain significance. Last evaluated: 2025-08-01. Review status: criteria provided, single submitter. Criteria: Ambry Variant Classification Scheme 2023. Collection method: clinical testing. Allele origin: germline.

Labcorp Genetics (formerly Invitae), Labcorp
Classification: Uncertain significance. Last evaluated: 2022-06-06. Review status: criteria provided, single submitter. Criteria: Invitae Variant Classification Sherloc (09022015). Collection method: clinical testing. Allele origin: germline.
Comment: In summary, the available evidence is currently insufficient to determine the role of this variant in disease. Therefore, it has been classified as a Variant of Uncertain Significance. Algorithms developed to predict the effect of missense changes on protein structure and function (SIFT, PolyPhen-2, Align-GVGD) all suggest that this variant is likely to be tolerated. This variant has not been reported in the literature in individuals affected with SHPK-related conditions. This variant is present in population databases (rs759135690, gnomAD 0.01%). This sequence change replaces valine, which is neutral and non-polar, with isoleucine, which is neutral and non-polar, at codon 331 of the SHPK protein (p.Val331Ile).

NM_013276.4(SHPK):c.991G>A (p.Val331Ile)

Gene: SHPK (sedoheptulokinase; minus strand). Cytogenetic location: 17p13.2.
Variant type: single nucleotide variant.
Coding change: c.991G>A on transcript NM_013276.4 (MANE Select); coding-DNA position 991, G replaced by A.
Protein change: p.Val331Ile; replaces valine 331 with isoleucine.
Molecular consequence: missense variant.
Genome position (GRCh38, 1-based): chr17:3,615,370, C>T on the plus strand (G>A on the coding strand, the complement: SHPK is on the minus strand). VCF-style: chr17-3615370-C-T. GRCh37 (hg19) VCF-style: chr17-3518664-C-T.
Other names: c.991G>A (NM_013276.2); short protein forms V331I.
Identifiers: ClinVar variation 2165569 (VCV002165569.5), dbSNP rs759135690, ClinGen allele CA8291153.